The following is an entry in ClinVar:

ClinVar aggregate classification (germline): Likely benign (1 of 4 stars; one submission).

gnomAD v4.1: 65 of 1,613,824 alleles (0.004%); highest among the groups gnomAD compares: Admixed American, 0.11%; 1 homozygote.

Submission:

CeGaT Center for Human Genetics Tuebingen
Classification: Likely benign. Last evaluated: 2026-08-01. Review status: criteria provided, single submitter. Criteria: CeGaT Center For Human Genetics Tuebingen Variant Classification Criteria Version 2. Collection method: clinical testing. Allele origin: germline. Affected: yes. Observed: 1 variant allele.
Comment: SETD1A: BP4, BP7

NM_014712.3(SETD1A):c.3138C>T (p.Ser1046=)

Gene: SETD1A (SET domain containing 1A, histone lysine methyltransferase; plus strand). Cytogenetic location: 16p11.2.
Variant type: single nucleotide variant.
Coding change: c.3138C>T on transcript NM_014712.3 (MANE Select); coding-DNA position 3138, C replaced by T.
Protein change: p.Ser1046=; no amino-acid change (serine 1046 retained).
Molecular consequence: synonymous variant.
Genome position (GRCh38, 1-based): chr16:30,971,499, C>T. VCF-style: chr16-30971499-C-T. GRCh37 (hg19) VCF-style: chr16-30982820-C-T.
Identifiers: ClinVar variation 5039549 (VCV005039549.1).